The following is an entry in ClinVar:

NM_000188.3(HK1):c.2267A>G (p.Asn756Ser)

Gene: HK1 (hexokinase 1; plus strand). Cytogenetic location: 10q22.1.
Variant type: single nucleotide variant.
Coding change: c.2267A>G on transcript NM_000188.3 (MANE Select); coding-DNA position 2267, A replaced by G.
Protein change: p.Asn756Ser; replaces asparagine 756 with serine.
Molecular consequence: missense variant.
Genome position (GRCh38, 1-based): chr10:69,394,997, A>G. VCF-style: chr10-69394997-A-G. GRCh37 (hg19) VCF-style: chr10-71154753-A-G.
Other names: c.2279A>G, p.Asn760Ser (NM_001322364.2, NM_001358263.1, NM_033497.3 and 1 more transcripts); c.2372A>G, p.Asn791Ser (NM_001322365.2); c.2183A>G, p.Asn728Ser (NM_001322366.1); c.2171A>G, p.Asn724Ser (NM_001322367.1); c.2264A>G, p.Asn755Ser (NM_033496.3); c.2231A>G, p.Asn744Ser (NM_033500.2); short protein forms N728S, N760S, N791S, N724S, N755S, N756S, N744S.
Identifiers: ClinVar variation 1992816 (VCV001992816.4), dbSNP rs2540470584, ClinGen allele CA376915765.

ClinVar aggregate classification (germline): Uncertain significance (1 of 4 stars; one submission).

Allele frequency attached by ClinVar (database versions not stated): gnomAD exomes below 0.00001.
gnomAD v4.1: 1 of 1,614,168 alleles (0.000062%); highest among the groups gnomAD compares: Non-Finnish European, 0.000085%; no homozygotes.

Submission:

Labcorp Genetics (formerly Invitae), Labcorp
Classification: Uncertain significance. Last evaluated: 2022-05-10. Review status: criteria provided, single submitter. Criteria: Invitae Variant Classification Sherloc (09022015). Collection method: clinical testing. Allele origin: germline.
Comment: This variant has not been reported in the literature in individuals affected with HK1-related conditions. This variant is not present in population databases (gnomAD no frequency). Algorithms developed to predict the effect of missense changes on protein structure and function are either unavailable or do not agree on the potential impact of this missense change (SIFT: "Deleterious"; PolyPhen-2: "Benign"; Align-GVGD: "Class C0"). In summary, the available evidence is currently insufficient to determine the role of this variant in disease. Therefore, it has been classified as a Variant of Uncertain Significance. This sequence change replaces asparagine, which is neutral and polar, with serine, which is neutral and polar, at codon 756 of the HK1 protein (p.Asn756Ser).